The following is an entry in ClinVar:

NM_001080517.3(SETD5):c.3195+1G>A

Gene: SETD5 (SET domain containing 5; plus strand). Cytogenetic location: 3p25.3.
Variant type: single nucleotide variant.
Coding change: c.3195+1G>A on transcript NM_001080517.3 (MANE Select); the canonical splice donor site of the intron after coding-DNA position 3195, G replaced by A.
Molecular consequence: splice donor variant.
Genome position (GRCh38, 1-based): chr3:9,470,930, G>A. VCF-style: chr3-9470930-G-A. GRCh37 (hg19) VCF-style: chr3-9512614-G-A.
Other names: c.3252+1G>A (NM_001437643.1); c.2901+1G>A (NM_001349451.2, NM_001292043.2); c.3291+1G>A (NM_001437633.1); c.3309+1G>A (NM_001437635.1); c.3234+1G>A (NM_001437701.1).
Identifiers: ClinVar variation 4990891 (VCV004990891.1).

ClinVar aggregate classification (germline): Likely pathogenic (1 of 4 stars; one submission).

Conditions:
SETD5-related disorder. Also called: SETD5-related disorders; SETD5-related condition.

Submission:

PreventionGenetics, part of Exact Sciences
Classification: Likely pathogenic for SETD5-related condition. Last evaluated: 2026-03-27. Review status: criteria provided, single submitter. Criteria: ACMG Guidelines, 2015. Collection method: clinical testing. Allele origin: germline.
Comment: The SETD5 c.3195+1G>A variant is predicted to disrupt the GT donor site and interfere with normal splicing. To our knowledge, this variant has not been reported in the literature or in a large population database (gnomAD), indicating this variant is rare. Variants that disrupt the consensus splice donor site in SETD5 are expected to be pathogenic. This variant is interpreted as likely pathogenic.